The following is an entry in ClinVar:

ClinVar aggregate classification (germline): Uncertain significance (1 of 4 stars; one submission).

Allele frequency attached by ClinVar (database versions not stated): gnomAD exomes below 0.00001.
gnomAD v4.1: 2 of 1,614,208 alleles (0.00012%); highest among the groups gnomAD compares: Non-Finnish European, 0.00017%; no homozygotes.

Submission:

Labcorp Genetics (formerly Invitae), Labcorp
Classification: Uncertain significance. Last evaluated: 2022-10-17. Review status: criteria provided, single submitter. Criteria: Invitae Variant Classification Sherloc (09022015). Collection method: clinical testing. Allele origin: germline.
Comment: In summary, the available evidence is currently insufficient to determine the role of this variant in disease. Therefore, it has been classified as a Variant of Uncertain Significance. Algorithms developed to predict the effect of sequence changes on RNA splicing suggest that this variant may disrupt the consensus splice site. Algorithms developed to predict the effect of missense changes on protein structure and function (SIFT, PolyPhen-2, Align-GVGD) all suggest that this variant is likely to be tolerated. ClinVar contains an entry for this variant (Variation ID: 1462581). This variant has not been reported in the literature in individuals affected with ANKZF1-related conditions. This variant is not present in population databases (gnomAD no frequency). This sequence change replaces arginine, which is basic and polar, with glycine, which is neutral and non-polar, at codon 225 of the ANKZF1 protein (p.Arg225Gly).

NM_018089.3(ANKZF1):c.673A>G (p.Arg225Gly)

Gene: ANKZF1 (ankyrin repeat and zinc finger peptidyl tRNA hydrolase 1; plus strand). Cytogenetic location: 2q35.
Variant type: single nucleotide variant.
Coding change: c.673A>G on transcript NM_018089.3 (MANE Select); coding-DNA position 673, A replaced by G.
Protein change: p.Arg225Gly; replaces arginine 225 with glycine.
Molecular consequence: missense variant.
Genome position (GRCh38, 1-based): chr2:219,233,287, A>G. VCF-style: chr2-219233287-A-G. GRCh37 (hg19) VCF-style: chr2-220098009-A-G.
Other names: c.673A>G, p.Arg225Gly (NM_001042410.2); c.43A>G, p.Arg15Gly (NM_001282792.2); short protein forms R225G, R15G.
Identifiers: ClinVar variation 1462581 (VCV001462581.8), dbSNP rs2106461127, ClinGen allele CA350674863.
Genomic context (GRCh38, chr2:219,233,287, plus strand): 5'-GATCCTGTTAGCCAGGGAGCACCAGCTGGTCTCCAGTACTGAGTCTGTGCTGTCTACAGA[A>G]GAGAAGTGGTGACACACAAAACTTTTCACCGCTATACGGTTCGGGCCAAGCGGGGCACAG-3'
Protein context (NP_060559.2, residues 215-235): GHFAGAIFQG[Arg225Gly]EVVTHKTFHR